The following is an entry in ClinVar:

NM_002401.5(MAP3K3):c.1805G>T (p.Arg602Leu)

Genes: MAP3K3 (mitogen-activated protein kinase kinase kinase 3; plus strand), LOC130061397 (ATAC-STARR-seq lymphoblastoid active region 12554; plus strand). Cytogenetic location: 17q23.3.
Variant type: single nucleotide variant.
Coding change: c.1805G>T on transcript NM_002401.5 (MANE Select); coding-DNA position 1805, G replaced by T.
Protein change: p.Arg602Leu; replaces arginine 602 with leucine.
Molecular consequence: missense variant.
Genome position (GRCh38, 1-based): chr17:63,693,701, G>T. VCF-style: chr17-63693701-G-T. GRCh37 (hg19) VCF-style: chr17-61771061-G-T.
Other names: c.1793G>T, p.Arg598Leu (NM_001330431.2); c.1886G>T, p.Arg629Leu (NM_001363768.2); c.1898G>T, p.Arg633Leu (NM_203351.3); short protein forms R598L, R602L, R629L, R633L.
Identifiers: ClinVar variation 4279827 (VCV004279827.1).

ClinVar aggregate classification (germline): Uncertain significance (1 of 4 stars; one submission).

Conditions:
Verrucous hemangioma. Also called: Verrucous venous malformation. Identifiers: Orphanet 464318, MedGen C0334540, MONDO:0018734.

gnomAD v4.1: 5 of 1,605,248 alleles (0.00031%); highest among the groups gnomAD compares: Non-Finnish European, 0.00043%; no homozygotes.

Submission:

Clinical Genomics Laboratory, Washington University in St. Louis
Classification: Uncertain significance for Verrucous venous malformation. Last evaluated: 2025-06-12. Review status: criteria provided, single submitter. Criteria: ACMG Guidelines, 2015. Collection method: clinical testing. Allele origin: germline.
Comment: A MAP3K3 c.1805G>T (p.Arg602Leu) variant was identified at a heterozygous allelic fraction of 50.0%, a frequency which may be consistent with it being of germline origin. This variant, to our knowledge, has not been reported in the medical literature. This variant is only observed in 5/1,605,248 alleles in the general population (gnomAD v4.1.0), indicating it is not a common variant. Computational predictors suggest that the variant does not impact MAP3K3 function. Due to limited information, and based on ACMG/AMP guidelines for variant interpretation (Richards S et al., PMID: 25741868), the clinical significance of this variant is uncertain at this time.